The following is an entry in ClinVar:

NM_002900.3(RBP3):c.2650G>A (p.Val884Met)

Gene: RBP3 (retinol binding protein 3; plus strand). Cytogenetic location: 10q11.22.
Variant type: single nucleotide variant.
Coding change: c.2650G>A on transcript NM_002900.3 (MANE Select); coding-DNA position 2650, G replaced by A.
Protein change: p.Val884Met; replaces valine 884 with methionine.
Molecular consequence: missense variant.
Genome position (GRCh38, 1-based): chr10:47,351,134, G>A. VCF-style: chr10-47351134-G-A. GRCh37 (hg19) VCF-style: chr10-48388228-C-T.
Other names: short protein forms V884M.
Identifiers: ClinVar variation 193238 (VCV000193238.21), dbSNP rs11204213, ClinGen allele CA200431.
Genomic context (GRCh38, chr10:47,351,134, plus strand): 5'-CGGGCCACGGTCATTGGGGAGCCCACGGCCGGAGGCGCACTCTCTGTGGGCATCTACCAG[G>A]TGGGCAGCAGCCCCTTATATGCATCCATGCCCACCCAGATGGCCATGAGTGCCACCACAG-3'
Protein context (NP_002891.1, residues 874-894): GGALSVGIYQ[Val884Met]GSSPLYASMP

ClinVar aggregate classification (germline): Benign/Likely benign. Review status: criteria provided, multiple submitters, no conflicts (2 of 4 stars). 5 submissions from 5 submitters: Benign (4); Likely benign (1). Last evaluated 2026-01-29.

Conditions:
Retinal dystrophy. Also called: Inherited retinal dystrophy. Identifiers: Orphanet 71862, MedGen C0854723, MeSH D058499, MONDO:0019118, HP:0000556.
Retinitis pigmentosa 66 (RP66). Identifiers: Orphanet 791, MedGen C3715216, MONDO:0014093, OMIM 615233.
Retinitis pigmentosa (RP). Identifiers: Orphanet 791, MedGen C0035334, MeSH D012174, MONDO:0019200, OMIM 268000. Inheritance: Autosomal dominant, autosomal recessive and X linked inheritance.

Allele frequency attached by ClinVar (database versions not stated): gnomAD exomes 0.00214 and 0.00678; gnomAD 0.00269 and 0.00319; TOPMed 0.00529; ExAC 0.00593; 1000 Genomes Project 30x 0.00843; ESP Exome Variant Server 0.00038; 1000 Genomes Project 0.00938.
gnomAD v4.1: 3,709 of 1,613,042 alleles (0.23%); highest among the groups gnomAD compares: East Asian, 3.5%; 49 homozygotes.

Submissions (5):

Labcorp Genetics (formerly Invitae), Labcorp
Classification: Benign. Last evaluated: 2026-01-29. Review status: criteria provided, single submitter. Criteria: Invitae Variant Classification Sherloc (09022015). Collection method: clinical testing. Allele origin: germline.

Dept Of Ophthalmology, Nagoya University
Classification: Benign for Retinal dystrophy. Last evaluated: 2023-10-01. Review status: criteria provided, single submitter. Criteria: Submitter's publication. Collection method: research. Allele origin: germline. Affected: yes.

Fulgent Genetics
Classification: Likely benign for Retinitis pigmentosa; Retinitis pigmentosa 66. Last evaluated: 2022-05-17. Review status: criteria provided, single submitter. Criteria: ACMG Guidelines, 2015. Collection method: clinical testing. Allele origin: unknown.

Illumina Laboratory Services, Illumina
Classification: Benign for Retinitis pigmentosa. Last evaluated: 2017-04-27. Review status: criteria provided, single submitter. Criteria: ICSL Variant Classification Criteria 13 December 2019. Collection method: clinical testing. Allele origin: germline.
Comment: This variant was observed as part of a predisposition screen in an ostensibly healthy population. A literature search was performed for the gene, cDNA change, and amino acid change (where applicable). Publications were found based on this search. The evidence from the literature, in combination with allele frequency data from public databases where available, was sufficient to rule this variant out of causing disease. Therefore, this variant is classified as benign.

Eurofins Ntd Llc (ga)
Classification: Benign. Last evaluated: 2015-01-28. Review status: criteria provided, single submitter. Criteria: EGL Classification Definitions 2015. Collection method: clinical testing. Allele origin: germline. Observed: 1 variant allele, 1 heterozygote.

Literature cited by the submitters: PubMed 24963161 (cited by Illumina Laboratory Services, Illumina); PubMed 19074801 (cited by Illumina Laboratory Services, Illumina); PubMed 27829784 (cited by Illumina Laboratory Services, Illumina).